The following is an entry in ClinVar:

ClinVar aggregate classification (germline): Uncertain significance (1 of 4 stars; one submission).

Conditions:
Inborn genetic diseases. Identifiers: MedGen C0950123, MeSH D030342.

gnomAD v4.1: 3 of 1,613,690 alleles (0.00019%); highest among the groups gnomAD compares: South Asian, 0.0011%; no homozygotes.

Submission:

Ambry Genetics
Classification: Uncertain significance for Inborn genetic diseases. Last evaluated: 2025-07-14. Review status: criteria provided, single submitter. Criteria: Ambry Variant Classification Scheme 2023. Collection method: clinical testing. Allele origin: germline.
Comment: The p.P652S variant (also known as c.1954C>T), located in coding exon 11 of the FANCM gene, results from a C to T substitution at nucleotide position 1954. The proline at codon 652 is replaced by serine, an amino acid with similar properties. This amino acid position is conserved. In addition, this alteration is predicted to be tolerated by in silico analysis. Based on the available evidence, the clinical significance of this variant remains unclear.

NM_020937.4(FANCM):c.1954C>T (p.Pro652Ser)

Gene: FANCM (FA complementation group M; plus strand). Cytogenetic location: 14q21.2.
Variant type: single nucleotide variant.
Coding change: c.1954C>T on transcript NM_020937.4 (MANE Select); coding-DNA position 1954, C replaced by T.
Protein change: p.Pro652Ser; replaces proline 652 with serine.
Molecular consequence: missense variant.
Genome position (GRCh38, 1-based): chr14:45,167,115, C>T. VCF-style: chr14-45167115-C-T. GRCh37 (hg19) VCF-style: chr14-45636318-C-T.
Other names: c.1876C>T, p.Pro626Ser (NM_001308133.2); c.1954C>T, p.Pro652Ser (NM_001308134.2); short protein forms P626S, P652S.
Identifiers: ClinVar variation 3092833 (VCV003092833.2), dbSNP rs945079138, ClinGen allele CA389595136.
Genomic context (GRCh38, chr14:45,167,115, plus strand): 5'-GGAATCAACCCAAAATTACACAAAATGTTCATCACACATGGTGTCTATGAACCAGAGAAG[C>T]CTTCTCGGAACTTGCAGCGAAAGTCATCTATCTTTTCCTATAGGGATGGTAAATAAATTT-3'
Protein context (NP_065988.1, residues 642-662): ITHGVYEPEK[Pro652Ser]SRNLQRKSSI